The following is an entry in ClinVar:

NM_000159.4(GCDH):c.192G>C (p.Glu64Asp)

Genes: GCDH (glutaryl-CoA dehydrogenase; plus strand), LOC117125594 (CRISPRi-FlowFISH-validated KLF1 regulatory element; plus strand). Cytogenetic location: 19p13.13.
Variant type: single nucleotide variant.
Coding change: c.192G>C on transcript NM_000159.4 (MANE Select); coding-DNA position 192, G replaced by C.
Protein change: p.Glu64Asp; replaces glutamic acid 64 with aspartic acid.
Molecular consequence: missense variant. On other transcripts: non-coding transcript variant (2).
Genome position (GRCh38, 1-based): chr19:12,891,895, G>C. VCF-style: chr19-12891895-G-C. GRCh37 (hg19) VCF-style: chr19-13002709-G-C.
Other names: c.192G>C, p.Glu64Asp (NM_013976.5); short protein forms E64D.
Identifiers: ClinVar variation 4525884 (VCV004525884.1).

ClinVar aggregate classification (germline): Pathogenic (1 of 4 stars; one submission).

Conditions:
Glutaric aciduria, type 1. Also called: GA I; Glutaricacidemia Type 1; Glutaric acidemia type I; Glutaric Acidemia Type 1; Glutaricaciduria, type I; Glutaryl-CoA dehydrogenase deficiency. Identifiers: Orphanet 25, MedGen C0268595, MONDO:0009281, OMIM 231670.

Submission:

Women's Health and Genetics/Laboratory Corporation of America, LabCorp
Classification: Pathogenic for Glutaric aciduria, type 1. Last evaluated: 2025-07-15. Review status: criteria provided, single submitter. Criteria: LabCorp Variant Classification Summary - May 2015. Collection method: clinical testing. Allele origin: germline.
Comment: Variant summary: GCDH c.192G>C (p.Glu64Asp) results in a conservative amino acid change in the encoded protein sequence. Algorithms developed to predict the effect of missense changes on protein structure and function are either unavailable or do not agree on the potential impact of this missense change. The variant was absent in 251350 control chromosomes (gnomAD). p.Glu64Asp has been observed in multiple individuals affected with Glutaric Acidemia Type 1 and p.Glu64Asp co-segregated with the disease (Christensen_2004, Georgiou_2014). These data indicate that the variant is very likely to be associated with disease. To our knowledge, no experimental evidence demonstrating an impact on protein function has been reported. ClinVar contains an entry for c.192G>T (p.Glu64Asp) (Variation ID: 550794). Based on the evidence outlined above, the variant was classified as pathogenic.

Literature cited by the submitters: PubMed 15505393; PubMed 24973495.